The following is an entry in ClinVar:

ClinVar aggregate classification (germline): Uncertain significance (1 of 4 stars; one submission).

Submission:

Ambry Genetics
Classification: Uncertain significance. Last evaluated: 2024-06-04. Review status: criteria provided, single submitter. Criteria: Ambry Variant Classification Scheme 2023. Collection method: clinical testing. Allele origin: germline.
Comment: The p.A930T variant (also known as c.2788G>A), located in coding exon 25 of the KIF1B gene, results from a G to A substitution at nucleotide position 2788. The alanine at codon 930 is replaced by threonine, an amino acid with similar properties. This amino acid position is conserved. In addition, this alteration is predicted to be deleterious by in silico analysis. Based on the available evidence, the clinical significance of this variant remains unclear.

NM_001365951.3(KIF1B):c.2926G>A (p.Ala976Thr)

Gene: KIF1B (kinesin family member 1B; plus strand). Cytogenetic location: 1p36.22.
Variant type: single nucleotide variant.
Coding change: c.2926G>A on transcript NM_001365951.3 (MANE Select); coding-DNA position 2926, G replaced by A.
Protein change: p.Ala976Thr; replaces alanine 976 with threonine.
Molecular consequence: missense variant.
Genome position (GRCh38, 1-based): chr1:10,334,521, G>A. VCF-style: chr1-10334521-G-A. GRCh37 (hg19) VCF-style: chr1-10394579-G-A.
Other names: c.2926G>A, p.Ala976Thr (NM_001365952.1); c.2788G>A, p.Ala930Thr (NM_015074.3); short protein forms A976T, A930T.
Identifiers: ClinVar variation 3288387 (VCV003288387.1).